The following is an entry in ClinVar:

ClinVar aggregate classification (germline): Uncertain significance. Review status: criteria provided, multiple submitters, no conflicts (2 of 4 stars). 3 submissions from 3 submitters: Uncertain significance (2). 1 of the submissions does not count toward it. Last evaluated 2025-12-19.

Conditions:
Neu-Laxova syndrome 2. Identifiers: Orphanet 2671, Orphanet 583602, MedGen C4015019, MONDO:0014466, OMIM 616038.

Allele frequency attached by ClinVar (database versions not stated): gnomAD exomes 0.00004 and 0.00006; ExAC 0.00005; TOPMed 0.00005; gnomAD 0.00005.
gnomAD v4.1: 88 of 1,613,914 alleles (0.0055%); highest among the groups gnomAD compares: Middle Eastern, 0.033%; no homozygotes.

Submissions (3):

Dasa
Classification: Uncertain significance. Last evaluated: 2025-12-19. Review status: criteria provided, single submitter. Criteria: DASA Assertion Criteria. Collection method: clinical testing. Allele origin: germline.
Comment: NM_058179.4(PSAT1):c.638G>A (p.Arg213His) is a missense variant that results in the substitution of arginine with histidine. This variant is rare in population databases. Computational prediction algorithms are consistent with a deleterious effect. The currently available literature and clinical evidence are not sufficient to establish a definitive association between this variant and the reported condition. Therefore, this variant is classified as a variant of uncertain significance.

Labcorp Genetics (formerly Invitae), Labcorp
Classification: Uncertain significance for Neu-Laxova syndrome 2. Last evaluated: 2022-08-31. Review status: criteria provided, single submitter. Criteria: Invitae Variant Classification Sherloc (09022015). Collection method: clinical testing. Allele origin: germline.
Comment: This sequence change replaces arginine, which is basic and polar, with histidine, which is basic and polar, at codon 213 of the PSAT1 protein (p.Arg213His). This variant is present in population databases (rs759482379, gnomAD 0.009%). This variant has not been reported in the literature in individuals affected with PSAT1-related conditions. ClinVar contains an entry for this variant (Variation ID: 976948). Algorithms developed to predict the effect of missense changes on protein structure and function are either unavailable or do not agree on the potential impact of this missense change (SIFT: "Deleterious"; PolyPhen-2: "Probably Damaging"; Align-GVGD: "Class C0"). Experimental studies are conflicting or provide insufficient evidence to determine the effect of this variant on PSAT1 function (PMID: 32077105). In summary, the available evidence is currently insufficient to determine the role of this variant in disease. Therefore, it has been classified as a Variant of Uncertain Significance.

Dudley Research Group, Pacific Northwest Research Institute
No classification provided. Review status: no classification provided. Collection method: research, in vivo. Allele origin: unknown, not applicable. Functional consequence: function_uncertain_variant. Not counted in ClinVar's aggregate classification.

Literature cited by the submitters: PubMed 32077105 (cited by Labcorp Genetics (formerly Invitae), Labcorp).

NM_058179.4(PSAT1):c.638G>A (p.Arg213His)

Gene: PSAT1 (phosphoserine aminotransferase 1; plus strand). Cytogenetic location: 9q21.2.
Variant type: single nucleotide variant.
Coding change: c.638G>A on transcript NM_058179.4 (MANE Select); coding-DNA position 638, G replaced by A.
Protein change: p.Arg213His; replaces arginine 213 with histidine.
Molecular consequence: missense variant.
Genome position (GRCh38, 1-based): chr9:78,308,481, G>A. VCF-style: chr9-78308481-G-A. GRCh37 (hg19) VCF-style: chr9-80923397-G-A.
Other names: c.638G>A, p.Arg213His (NM_021154.5); short protein forms R213H.
Identifiers: ClinVar variation 976948 (VCV000976948.8), dbSNP rs759482379, ClinGen allele CA5095676.